The following is an entry in ClinVar:

NM_000070.3(CAPN3):c.2440T>C (p.Trp814Arg)

Gene: CAPN3 (calpain 3; plus strand). Cytogenetic location: 15q15.1.
Variant type: single nucleotide variant.
Coding change: c.2440T>C on transcript NM_000070.3 (MANE Select); coding-DNA position 2440, T replaced by C.
Protein change: p.Trp814Arg; replaces tryptophan 814 with arginine.
Molecular consequence: missense variant.
Genome position (GRCh38, 1-based): chr15:42,411,747, T>C. VCF-style: chr15-42411747-T-C. GRCh37 (hg19) VCF-style: chr15-42703945-T-C.
Other names: c.2422T>C, p.Trp808Arg (NM_024344.2); c.2164T>C, p.Trp722Arg (NM_173087.2); c.904T>C, p.Trp302Arg (NM_173088.2); c.445T>C, p.Trp149Arg (NM_173089.2, NM_173090.2); c.*1538T>C (NM_212464.2); c.*2115T>C (NM_212467.2); short protein forms W302R, W149R, W814R, W722R, W808R.
Identifiers: ClinVar variation 1936558 (VCV001936558.5), dbSNP rs140611662, ClinGen allele CA269855155.

ClinVar aggregate classification (germline): Uncertain significance (1 of 4 stars; one submission).

Conditions:
Autosomal recessive limb-girdle muscular dystrophy type 2A (LGMDR1). Also called: Muscular dystrophy, limb-girdle, type 2A, Amish; Limb-girdle muscular dystrophy, type 2A; Calpainopathy; LEYDEN-MOEBIUS MUSCULAR DYSTROPHY; MUSCULAR DYSTROPHY, PELVOFEMORAL. Identifiers: Orphanet 267, MedGen C1869123, MONDO:0009675, OMIM 253600. Disease mechanism: loss of function.

Allele frequency attached by ClinVar (database versions not stated): gnomAD exomes below 0.00001; ESP Exome Variant Server 0.00008.
gnomAD v4.1: 1 of 1,498,640 alleles (0.000067%); highest among the groups gnomAD compares: African/African-American, 0.0014%; no homozygotes.

Submission:

Labcorp Genetics (formerly Invitae), Labcorp
Classification: Uncertain significance for Autosomal recessive limb-girdle muscular dystrophy type 2A. Last evaluated: 2024-04-29. Review status: criteria provided, single submitter. Criteria: Invitae Variant Classification Sherloc (09022015). Collection method: clinical testing. Allele origin: germline.
Comment: This sequence change replaces tryptophan, which is neutral and slightly polar, with arginine, which is basic and polar, at codon 814 of the CAPN3 protein (p.Trp814Arg). This variant is not present in population databases (gnomAD no frequency). This variant has not been reported in the literature in individuals affected with CAPN3-related conditions. ClinVar contains an entry for this variant (Variation ID: 1936558). An algorithm developed to predict the effect of missense changes on protein structure and function (PolyPhen-2) suggests that this variant is likely to be disruptive. In summary, the available evidence is currently insufficient to determine the role of this variant in disease. Therefore, it has been classified as a Variant of Uncertain Significance.